The following is an entry in ClinVar:

ClinVar aggregate classification (germline): Conflicting classifications of pathogenicity. Review status: criteria provided, conflicting classifications (1 of 4 stars). 2 submissions from 2 submitters: Uncertain significance (1); Likely benign (1). Last evaluated 2023-03-23.

Conditions:
Hereditary breast ovarian cancer syndrome. Also called: Hereditary breast and/or ovarian cancer syndrome; Breast and ovarian cancer; Hereditary breast and ovarian cancer; BRCA1- and BRCA2-Associated Hereditary Breast and Ovarian Cancer; Hereditary breast and ovarian cancer syndrome; Hereditary breast and ovarian cancer syndrome (HBOC). Identifiers: Orphanet 145, MedGen C0677776, MeSH D061325, MONDO:0003582. Disease mechanism: loss of function.
Hereditary cancer-predisposing syndrome. Also called: Tumor predisposition; Neoplastic Syndromes, Hereditary; Hereditary neoplastic syndrome; Hereditary Cancer Syndrome. Identifiers: Orphanet 140162, MedGen C0027672, MeSH D009386, MONDO:0015356.

Submissions (2):

University of Washington Department of Laboratory Medicine, University of Washington
Classification: Likely benign for Hereditary cancer-predisposing syndrome. Last evaluated: 2023-03-23. Review status: criteria provided, single submitter. Criteria: Dines et al. (Genet Med. 2020). Collection method: curation. Allele origin: germline.
Comment: Missense variant in a coldspot region where missense variants are very unlikely to be pathogenic (PMID:31911673).

BRCA2 exon 11 coldspot. Reclassification based on statistical prior probability.

Labcorp Genetics (formerly Invitae), Labcorp
Classification: Uncertain significance for Hereditary breast ovarian cancer syndrome. Last evaluated: 2021-09-07. Review status: criteria provided, single submitter. Criteria: Invitae Variant Classification Sherloc (09022015). Collection method: clinical testing. Allele origin: germline.
Comment: This variant is not present in population databases (ExAC no frequency). This sequence change replaces histidine with aspartic acid at codon 1256 of the BRCA2 protein (p.His1256Asp). The histidine residue is weakly conserved and there is a moderate physicochemical difference between histidine and aspartic acid. This variant has not been reported in the literature in individuals affected with BRCA2-related conditions. In summary, the available evidence is currently insufficient to determine the role of this variant in disease. Therefore, it has been classified as a Variant of Uncertain Significance. Advanced modeling of protein sequence and biophysical properties (such as structural, functional, and spatial information, amino acid conservation, physicochemical variation, residue mobility, and thermodynamic stability) performed at Invitae indicates that this missense variant is not expected to disrupt BRCA2 protein function.

NM_000059.4(BRCA2):c.3766C>G (p.His1256Asp)

Gene: BRCA2 (BRCA2 DNA repair associated; plus strand). Cytogenetic location: 13q13.1.
Variant type: single nucleotide variant.
Coding change: c.3766C>G on transcript NM_000059.4 (MANE Select); coding-DNA position 3766, C replaced by G.
Protein change: p.His1256Asp; replaces histidine 1256 with aspartic acid.
Molecular consequence: missense variant.
Genome position (GRCh38, 1-based): chr13:32,338,121, C>G. VCF-style: chr13-32338121-C-G. GRCh37 (hg19) VCF-style: chr13-32912258-C-G.
Other names: short protein forms H1256D.
Identifiers: ClinVar variation 1517848 (VCV001517848.7), dbSNP rs2137499777, ClinGen allele CA387778239.